The following is an entry in ClinVar:

NM_001563.4(IMPG1):c.67+4A>G

Gene: IMPG1 (interphotoreceptor matrix proteoglycan 1; minus strand). Cytogenetic location: 6q14.1.
Variant type: single nucleotide variant.
Coding change: c.67+4A>G on transcript NM_001563.4 (MANE Select); 4 bases into the intron after coding-DNA position 67, A replaced by G.
Molecular consequence: intron variant.
Genome position (GRCh38, 1-based): chr6:76,072,418, T>C on the plus strand (A>G on the coding strand, the complement: IMPG1 is on the minus strand). VCF-style: chr6-76072418-T-C. GRCh37 (hg19) VCF-style: chr6-76782135-T-C.
Other names: c.67+4A>G (NM_001282368.2).
Identifiers: ClinVar variation 1927861 (VCV001927861.5), dbSNP rs2481589063, ClinGen allele CA2560235698.

ClinVar aggregate classification (germline): Uncertain significance (1 of 4 stars; one submission).

Submission:

Labcorp Genetics (formerly Invitae), Labcorp
Classification: Uncertain significance. Last evaluated: 2025-05-05. Review status: criteria provided, single submitter. Criteria: Invitae Variant Classification Sherloc (09022015). Collection method: clinical testing. Allele origin: germline.
Comment: This sequence change falls in intron 1 of the IMPG1 gene. It does not directly change the encoded amino acid sequence of the IMPG1 protein. It affects a nucleotide within the consensus splice site. This variant is not present in population databases (gnomAD no frequency). This variant has not been reported in the literature in individuals affected with IMPG1-related conditions. ClinVar contains an entry for this variant (Variation ID: 1927861). Variants that disrupt the consensus splice site are a relatively common cause of aberrant splicing (PMID: 17576681, 9536098). Algorithms developed to predict the effect of sequence changes on RNA splicing suggest that this variant is not likely to affect RNA splicing. In summary, the available evidence is currently insufficient to determine the role of this variant in disease. Therefore, it has been classified as a Variant of Uncertain Significance.

Literature cited by the submitters: PubMed 17576681; PubMed 9536098.